The following is an entry in ClinVar:

ClinVar aggregate classification (germline): Uncertain significance. Review status: criteria provided, single submitter (1 of 4 stars). 2 submissions from 2 submitters: Uncertain significance (1). 1 of the submissions does not count toward it. Last evaluated 2022-02-11.

Allele frequency attached by ClinVar (database versions not stated): TOPMed below 0.00001; gnomAD 0.00001; gnomAD exomes 0.00002.
gnomAD v4.1: 28 of 1,614,060 alleles (0.0017%); highest among the groups gnomAD compares: Non-Finnish European, 0.0023%; no homozygotes.

Submissions (2):

Labcorp Genetics (formerly Invitae), Labcorp
Classification: Uncertain significance. Last evaluated: 2022-02-11. Review status: criteria provided, single submitter. Criteria: Invitae Variant Classification Sherloc (09022015). Collection method: clinical testing. Allele origin: germline.
Comment: This variant has not been reported in the literature in individuals affected with TRAP1-related conditions. In summary, the available evidence is currently insufficient to determine the role of this variant in disease. Therefore, it has been classified as a Variant of Uncertain Significance. Algorithms developed to predict the effect of missense changes on protein structure and function are either unavailable or do not agree on the potential impact of this missense change (SIFT: "Deleterious"; PolyPhen-2: "Probably Damaging"; Align-GVGD: "Class C0"). ClinVar contains an entry for this variant (Variation ID: 592056). This variant is present in population databases (no rsID available, gnomAD 0.007%). This sequence change replaces tryptophan, which is neutral and slightly polar, with arginine, which is basic and polar, at codon 231 of the TRAP1 protein (p.Trp231Arg).

Gharavi Laboratory, Columbia University
Classification: Uncertain significance. Last evaluated: 2018-09-16. Review status: no assertion criteria provided. Criteria: ACMG Guidelines, 2015. Collection method: research. Allele origin: germline. Affected: yes. Not counted in ClinVar's aggregate classification.

NM_016292.3(TRAP1):c.691T>C (p.Trp231Arg)

Gene: TRAP1 (TNF receptor associated protein 1; minus strand). Cytogenetic location: 16p13.3.
Variant type: single nucleotide variant.
Coding change: c.691T>C on transcript NM_016292.3 (MANE Select); coding-DNA position 691, T replaced by C.
Protein change: p.Trp231Arg; replaces tryptophan 231 with arginine.
Molecular consequence: missense variant.
Genome position (GRCh38, 1-based): chr16:3,677,511, A>G on the plus strand (T>C on the coding strand, the complement: TRAP1 is on the minus strand). VCF-style: chr16-3677511-A-G. GRCh37 (hg19) VCF-style: chr16-3727512-A-G.
Other names: c.532T>C, p.Trp178Arg (NM_001272049.2); short protein forms W231R, W178R.
Identifiers: ClinVar variation 592056 (VCV000592056.5), dbSNP rs1478013745, ClinGen allele CA394570491.